The following is an entry in ClinVar:

ClinVar aggregate classification (germline): Likely benign (0 of 4 stars; one submission).

Conditions:
RECQL5-related disorder. Also called: RECQL5-related condition.

gnomAD v4.1: 3 of 1,614,186 alleles (0.00019%); highest among the groups gnomAD compares: Non-Finnish European, 0.00025%; no homozygotes.

Submission:

PreventionGenetics, part of Exact Sciences
Classification: Likely benign for RECQL5-related condition. Last evaluated: 2022-03-11. Review status: no assertion criteria provided. Collection method: clinical testing. Allele origin: germline.
Comment: This variant is classified as likely benign based on ACMG/AMP sequence variant interpretation guidelines (Richards et al. 2015 PMID: 25741868, with internal and published modifications).

NM_004259.7(RECQL5):c.726G>T (p.Leu242=)

Gene: RECQL5 (RecQ like helicase 5; minus strand). Cytogenetic location: 17q25.1.
Variant type: single nucleotide variant.
Coding change: c.726G>T on transcript NM_004259.7 (MANE Select); coding-DNA position 726, G replaced by T.
Protein change: p.Leu242=; no amino-acid change (leucine 242 retained).
Molecular consequence: synonymous variant.
Genome position (GRCh38, 1-based): chr17:75,662,524, C>A on the plus strand (G>T on the coding strand, the complement: RECQL5 is on the minus strand). VCF-style: chr17-75662524-C-A. GRCh37 (hg19) VCF-style: chr17-73658604-C-A.
Other names: c.726G>T, p.Leu242= (NM_001003715.4, NM_001003716.4).
Identifiers: ClinVar variation 3051381 (VCV003051381.2), dbSNP rs747334511, ClinGen allele CA501832387.